The following is an entry in ClinVar:

ClinVar aggregate classification (germline): Uncertain significance (1 of 4 stars; one submission).

Conditions:
Cohen syndrome (COH1). Also called: Cutis verticis gyrata, retinitis pigmentosa, and sensorineural deafness; PEPPER SYNDROME. Identifiers: Orphanet 193, MedGen C0265223, MONDO:0008999, OMIM 216550.

Submission:

Labcorp Genetics (formerly Invitae), Labcorp
Classification: Uncertain significance for Cohen syndrome. Last evaluated: 2023-08-02. Review status: criteria provided, single submitter. Criteria: Invitae Variant Classification Sherloc (09022015). Collection method: clinical testing. Allele origin: germline.
Comment: This variant has not been reported in the literature in individuals affected with VPS13B-related conditions. Advanced modeling of protein sequence and biophysical properties (such as structural, functional, and spatial information, amino acid conservation, physicochemical variation, residue mobility, and thermodynamic stability) performed at Invitae indicates that this missense variant is not expected to disrupt VPS13B protein function. In summary, the available evidence is currently insufficient to determine the role of this variant in disease. Therefore, it has been classified as a Variant of Uncertain Significance. This sequence change replaces serine, which is neutral and polar, with asparagine, which is neutral and polar, at codon 2022 of the VPS13B protein (p.Ser2022Asn). This variant is not present in population databases (gnomAD no frequency).

NM_152564.5(VPS13B):c.5990G>A (p.Ser1997Asn)

Gene: VPS13B (vacuolar protein sorting 13 homolog B; plus strand). Cytogenetic location: 8q22.2.
Variant type: single nucleotide variant.
Coding change: c.5990G>A on transcript NM_152564.5 (MANE Select); coding-DNA position 5990, G replaced by A.
Protein change: p.Ser1997Asn; replaces serine 1997 with asparagine.
Molecular consequence: missense variant.
Genome position (GRCh38, 1-based): chr8:99,661,435, G>A. VCF-style: chr8-99661435-G-A. GRCh37 (hg19) VCF-style: chr8-100673663-G-A.
Other names: c.6065G>A, p.Ser2022Asn (NM_017890.5); short protein forms S1997N, S2022N.
Identifiers: ClinVar variation 2748242 (VCV002748242.3), dbSNP rs2491290153, ClinGen allele CA371868982.